The following is an entry in ClinVar:

ClinVar aggregate classification (germline): Uncertain significance (1 of 4 stars; one submission).

Conditions:
Familial cold autoinflammatory syndrome 3 (FCAS3). Also called: FAMILIAL ATYPICAL COLD URTICARIA; ANTIBODY DEFICIENCY AND IMMUNE DYSREGULATION, PLCG2-ASSOCIATED. Identifiers: Orphanet 300359, MedGen C3280914, MONDO:0013766, OMIM 614468.

gnomAD v4.1: 4 of 1,614,060 alleles (0.00025%); highest among the groups gnomAD compares: Non-Finnish European, 0.00034%; no homozygotes.

Submission:

Labcorp Genetics (formerly Invitae), Labcorp
Classification: Uncertain significance for Familial cold autoinflammatory syndrome 3. Last evaluated: 2025-02-26. Review status: criteria provided, single submitter. Criteria: Invitae Variant Classification Sherloc (09022015). Collection method: clinical testing. Allele origin: germline.
Comment: This sequence change replaces alanine, which is neutral and non-polar, with serine, which is neutral and polar, at codon 58 of the PLCG2 protein (p.Ala58Ser). This variant is not present in population databases (gnomAD no frequency). This variant has not been reported in the literature in individuals affected with PLCG2-related conditions. An algorithm developed to predict the effect of missense changes on protein structure and function (PolyPhen-2) suggests that this variant is likely to be disruptive. In summary, the available evidence is currently insufficient to determine the role of this variant in disease. Therefore, it has been classified as a Variant of Uncertain Significance.

NM_002661.5(PLCG2):c.172G>T (p.Ala58Ser)

Gene: PLCG2 (phospholipase C gamma 2; plus strand). Cytogenetic location: 16q23.3.
Variant type: single nucleotide variant.
Coding change: c.172G>T on transcript NM_002661.5 (MANE Select); coding-DNA position 172, G replaced by T.
Protein change: p.Ala58Ser; replaces alanine 58 with serine.
Molecular consequence: missense variant.
Genome position (GRCh38, 1-based): chr16:81,786,161, G>T. VCF-style: chr16-81786161-G-T. GRCh37 (hg19) VCF-style: chr16-81819766-G-T.
Other names: c.172G>T, p.Ala58Ser (NM_001425749.1, NM_001425750.1, NM_001425751.1); short protein forms A58S.
Identifiers: ClinVar variation 3680709 (VCV003680709.2).